The following is an entry in ClinVar:

ClinVar aggregate classification (germline): Uncertain significance (1 of 4 stars; one submission).

Conditions:
Infantile-onset X-linked spinal muscular atrophy. Also called: ARTHROGRYPOSIS, X-LINKED, TYPE I; Spinal Muscular Atrophy, X-Linked Infantile; SPINAL MUSCULAR ATROPHY, X-LINKED LETHAL INFANTILE; AMC, DISTAL, X-LINKED; Spinal muscular atrophy, X-linked 2. Identifiers: Orphanet 1145, MedGen C1844934, MONDO:0010532, OMIM 301830.

Allele frequency attached by ClinVar (database versions not stated): gnomAD exomes below 0.00001.
gnomAD v4.1: 5 of 1,212,043 alleles (0.00041%); highest among the groups gnomAD compares: Admixed American, 0.0022%; no homozygotes.

Submission:

Labcorp Genetics (formerly Invitae), Labcorp
Classification: Uncertain significance for Infantile-onset X-linked spinal muscular atrophy. Last evaluated: 2024-02-16. Review status: criteria provided, single submitter. Criteria: Invitae Variant Classification Sherloc (09022015). Collection method: clinical testing. Allele origin: germline.
Comment: This sequence change replaces asparagine, which is neutral and polar, with serine, which is neutral and polar, at codon 260 of the UBA1 protein (p.Asn260Ser). This variant is not present in population databases (gnomAD no frequency). This missense change has been observed in individual(s) with clinical features of UBA1-related conditions (PMID: 33369814). ClinVar contains an entry for this variant (Variation ID: 2194166). An algorithm developed to predict the effect of missense changes on protein structure and function (PolyPhen-2) suggests that this variant is likely to be disruptive. In summary, the available evidence is currently insufficient to determine the role of this variant in disease. Therefore, it has been classified as a Variant of Uncertain Significance.

Literature cited by the submitters: PubMed 33369814.

NM_003334.4(UBA1):c.779A>G (p.Asn260Ser)

Gene: UBA1 (ubiquitin like modifier activating enzyme 1; plus strand). Cytogenetic location: Xp11.3.
Variant type: single nucleotide variant.
Coding change: c.779A>G on transcript NM_003334.4 (MANE Select); coding-DNA position 779, A replaced by G.
Protein change: p.Asn260Ser; replaces asparagine 260 with serine.
Molecular consequence: missense variant.
Genome position (GRCh38, 1-based): chrX:47,201,578, A>G. VCF-style: chrX-47201578-A-G. GRCh37 (hg19) VCF-style: chrX-47060977-A-G.
Other names: c.779A>G, p.Asn260Ser (NM_153280.3); short protein forms N260S.
Identifiers: ClinVar variation 2194166 (VCV002194166.4), dbSNP rs2521429336, ClinGen allele CA412793929.